The following is an entry in ClinVar:

ClinVar aggregate classification (germline): Likely benign (1 of 4 stars; one submission).

Allele frequency attached by ClinVar (database versions not stated): gnomAD 0.00716; TOPMed 0.00810; 1000 Genomes Project 0.00839; 1000 Genomes Project 30x 0.00953.
gnomAD v4.1: 1,080 of 152,358 alleles (0.71%); highest among the groups gnomAD compares: African/African-American, 2.5%; 15 homozygotes.

Submission:

GeneDx
Classification: Likely benign. Last evaluated: 2020-04-01. Review status: criteria provided, single submitter. Criteria: GeneDx Variant Classification Process June 2021. Collection method: clinical testing. Allele origin: germline. Affected: yes.
Comment: See Variant Classification Assertion Criteria.

NM_000135.4(FANCA):c.2982-358A>G

Gene: FANCA (FA complementation group A; minus strand). Cytogenetic location: 16q24.3.
Variant type: single nucleotide variant.
Coding change: c.2982-358A>G on transcript NM_000135.4 (MANE Select); 358 bases into the intron before coding-DNA position 2982, A replaced by G.
Molecular consequence: intron variant.
Genome position (GRCh38, 1-based): chr16:89,752,580, T>C on the plus strand (A>G on the coding strand, the complement: FANCA is on the minus strand). VCF-style: chr16-89752580-T-C. GRCh37 (hg19) VCF-style: chr16-89818988-T-C.
Other names: c.2982-358A>G (NM_001286167.3).
Identifiers: ClinVar variation 1804524 (VCV001804524.1), dbSNP rs17227015, ClinGen allele CA286543319.